The following is an entry in ClinVar:

ClinVar aggregate classification (germline): Likely benign. Review status: criteria provided, multiple submitters, no conflicts (2 of 4 stars). 3 submissions from 3 submitters: Likely benign (3). Last evaluated 2026-01-18.

Conditions:
Familial focal epilepsy with variable foci (FPEVF). Identifiers: Orphanet 98820, MedGen C1858477, MONDO:0020310.

Allele frequency attached by ClinVar (database versions not stated): ExAC 0.00004; gnomAD exomes 0.00006 and 0.00015; TOPMed 0.00006; gnomAD 0.00007 and 0.00008; ESP Exome Variant Server 0.00008.
gnomAD v4.1: 219 of 1,614,082 alleles (0.014%); highest among the groups gnomAD compares: Non-Finnish European, 0.018%; no homozygotes.

Submissions (3):

Labcorp Genetics (formerly Invitae), Labcorp
Classification: Likely benign for Familial focal epilepsy with variable foci. Last evaluated: 2026-01-18. Review status: criteria provided, single submitter. Criteria: Invitae Variant Classification Sherloc (09022015). Collection method: clinical testing. Allele origin: germline.

Blueprint Genetics
Classification: Likely benign. Last evaluated: 2024-09-23. Review status: criteria provided, single submitter. Criteria: ACMG Guidelines, 2015. Collection method: clinical testing. Allele origin: germline.

CeGaT Center for Human Genetics Tuebingen
Classification: Likely benign. Last evaluated: 2024-06-01. Review status: criteria provided, single submitter. Criteria: CeGaT Center For Human Genetics Tuebingen Variant Classification Criteria Version 2. Collection method: clinical testing. Allele origin: germline. Affected: yes. Observed: 5 variant alleles.
Comment: DEPDC5: BP4, BP7

NM_001242896.3(DEPDC5):c.2973G>A (p.Glu991=)

Gene: DEPDC5 (DEP domain containing 5, GATOR1 subcomplex subunit; plus strand). Cytogenetic location: 22q12.3.
Variant type: single nucleotide variant.
Coding change: c.2973G>A on transcript NM_001242896.3 (MANE Select); coding-DNA position 2973, G replaced by A.
Protein change: p.Glu991=; no amino-acid change (glutamic acid 991 retained).
Molecular consequence: synonymous variant. On other transcripts: non-coding transcript variant (5).
Genome position (GRCh38, 1-based): chr22:31,845,189, G>A. VCF-style: chr22-31845189-G-A. GRCh37 (hg19) VCF-style: chr22-32241175-G-A.
Other names: c.2946G>A, p.Glu982= (NM_001136029.4, NM_001369903.1, NM_014662.6); c.2739G>A, p.Glu913= (NM_001242897.2, NM_001363854.2, NM_001364319.2); c.2973G>A, p.Glu991= (NM_001363852.2, NM_001364318.2, NM_001364320.2); c.2889G>A, p.Glu963= (NM_001369901.1, NM_001369902.1).
Identifiers: ClinVar variation 546918 (VCV000546918.51), dbSNP rs370906184, ClinGen allele CA10196838.
Genomic context (GRCh38, chr22:31,845,189, plus strand): 5'-CAGGCCCCGTGCAGACGAGGACGAGTGGCAACTCCTGGATGGTTTTGTCCGCTTTGTGGA[G>A]GGCTTGAATCGCATTCGCAGGCGGCATCGCTCGGATCGCATGATGCGGGTAAGGGCTCCT-3'
Protein context (NP_001229825.1, residues 981-1001): QLLDGFVRFV[Glu991=]GLNRIRRRHR